The following is an entry in ClinVar:

ClinVar aggregate classification (germline): Uncertain significance (1 of 4 stars; one submission).

Allele frequency attached by ClinVar (database versions not stated): ExAC 0.00001; gnomAD exomes 0.00002; ESP Exome Variant Server 0.00008.
gnomAD v4.1: 29 of 1,614,214 alleles (0.0018%); highest among the groups gnomAD compares: South Asian, 0.0055%; no homozygotes.

Submission:

Labcorp Genetics (formerly Invitae), Labcorp
Classification: Uncertain significance. Last evaluated: 2022-08-24. Review status: criteria provided, single submitter. Criteria: Invitae Variant Classification Sherloc (09022015). Collection method: clinical testing. Allele origin: germline.
Comment: In summary, the available evidence is currently insufficient to determine the role of this variant in disease. Therefore, it has been classified as a Variant of Uncertain Significance. Algorithms developed to predict the effect of missense changes on protein structure and function output the following: SIFT: "Tolerated"; PolyPhen-2: "Benign"; Align-GVGD: "Class C0". The methionine amino acid residue is found in multiple mammalian species, which suggests that this missense change does not adversely affect protein function. This sequence change replaces threonine, which is neutral and polar, with methionine, which is neutral and non-polar, at codon 226 of the BACH2 protein (p.Thr226Met). This variant is present in population databases (rs376581332, gnomAD 0.0009%). This variant has not been reported in the literature in individuals affected with BACH2-related conditions.

NM_021813.4(BACH2):c.677C>T (p.Thr226Met)

Gene: BACH2 (BACH transcriptional regulator 2; minus strand). Cytogenetic location: 6q15.
Variant type: single nucleotide variant.
Coding change: c.677C>T on transcript NM_021813.4 (MANE Select); coding-DNA position 677, C replaced by T.
Protein change: p.Thr226Met; replaces threonine 226 with methionine.
Molecular consequence: missense variant.
Genome position (GRCh38, 1-based): chr6:89,951,429, G>A on the plus strand (C>T on the coding strand, the complement: BACH2 is on the minus strand). VCF-style: chr6-89951429-G-A. GRCh37 (hg19) VCF-style: chr6-90661148-G-A.
Other names: c.677C>T, p.Thr226Met (NM_001170794.2); short protein forms T226M.
Identifiers: ClinVar variation 2176621 (VCV002176621.4), dbSNP rs376581332, ClinGen allele CA3928128.